The following is an entry in ClinVar:

ClinVar aggregate classification (germline): Pathogenic. Review status: criteria provided, multiple submitters, no conflicts (2 of 4 stars). 2 submissions from 2 submitters: Pathogenic (2). Last evaluated 2025-08-12.

Conditions:
Combined oxidative phosphorylation defect type 8. Also called: CARDIOMYOPATHY, HYPERTROPHIC MITOCHONDRIAL, FATAL INFANTILE. Identifiers: Orphanet 319504, MedGen C4518839, MONDO:0013570, OMIM 614096.

Allele frequency attached by ClinVar (database versions not stated): gnomAD exomes 0.00001.
gnomAD v4.1: 8 of 1,613,990 alleles (0.0005%); highest among the groups gnomAD compares: East Asian, 0.0022%; no homozygotes.

Submissions (2):

Dasa
Classification: Pathogenic. Last evaluated: 2025-08-12. Review status: criteria provided, single submitter. Criteria: DASA Assertion Criteria. Collection method: clinical testing. Allele origin: germline.
Comment: NM_020745.4(AARS2):c.2255+1G>A introduces a premature termination codon predicted to result in loss of normal protein function. Loss-of-function is an established mechanism of disease for this gene. This variant has been observed in affected individuals with related phenotype in a genotype context consistent with recessive disease (PMID: 31106991). This variant has been reported in individuals with related phenotype (PMID: 31106991). The variant is present at low frequency in population datasets. Based on the available data, this variant is classified as pathogenic.

Mendelics
Classification: Pathogenic for Combined oxidative phosphorylation defect type 8. Last evaluated: 2022-05-04. Review status: criteria provided, single submitter. Criteria: Mendelics Assertion Criteria 2019. Collection method: clinical testing. Allele origin: germline.

Literature cited by the submitters: PubMed 31106991 (cited by Dasa).

NM_020745.4(AARS2):c.2255+1G>A

Gene: AARS2 (alanyl-tRNA synthetase 2, mitochondrial; minus strand). Cytogenetic location: 6p21.1.
Variant type: single nucleotide variant.
Coding change: c.2255+1G>A on transcript NM_020745.4 (MANE Select); the canonical splice donor site of the intron after coding-DNA position 2255, G replaced by A.
Molecular consequence: splice donor variant.
Genome position (GRCh38, 1-based): chr6:44,303,065, C>T on the plus strand (G>A on the coding strand, the complement: AARS2 is on the minus strand). VCF-style: chr6-44303065-C-T. GRCh37 (hg19) VCF-style: chr6-44270802-C-T.
Identifiers: ClinVar variation 1322029 (VCV001322029.5), dbSNP rs1186074948, ClinGen allele CA364337286.